The following is an entry in ClinVar:

NM_000077.5(CDKN2A):c.154ATG[4] (p.Met54_Gly55insMet)

Gene: CDKN2A (cyclin dependent kinase inhibitor 2A; minus strand). Cytogenetic location: 9p21.3.
Variant type: Microsatellite.
Coding change: c.154ATG[4] on transcript NM_000077.5; four copies in a row of the 3-base unit ATG starting at c.154; the reference has three copies in a row; one copy, 3 bases duplicated.
Protein change: p.Met54_Gly55insMet.
Molecular consequence: inframe insertion (on NM_001195132.2). On other transcripts: initiator codon variant (1), inframe indel (2), 3 prime UTR variant (1).
Genome position (GRCh38, 1-based): chr9:21,971,197-21,971,199, CAT duplicated on the plus strand (ATG on the coding strand, the reverse complement: CDKN2A is on the minus strand); duplicating any 3 consecutive bases within chr9:21,971,197-21,971,205 gives the same sequence; the position shown is the placement nearest the transcript's 3' end. VCF-style (leftmost placement, unchanged base first): chr9-21971196-C-CCAT. GRCh37 (hg19) VCF-style: chr9-21971195-C-CCAT.
Other names: c.154ATG[4], p.Met54_Gly55insMet (NM_001195132.2); c.1ATG[4], p.Met3_Gly4insMet (NM_001363763.2); c.154_156ATG[4], p.Met54_Gly55insMet (NM_000077.6); c.197ATG[4], p.Asp68_Gly69insAsp (NM_058195.4); c.*77ATG[4] (NM_058197.5); c.160_162dupATG (NM_000077.4).
Identifiers: ClinVar variation 4224787 (VCV004224787.1).

ClinVar aggregate classification (germline): Uncertain significance (1 of 4 stars; one submission).

Conditions:
Hereditary cancer-predisposing syndrome. Also called: Neoplastic Syndromes, Hereditary; Tumor predisposition; Hereditary neoplastic syndrome; Hereditary Cancer Syndrome. Identifiers: Orphanet 140162, MedGen C0027672, MeSH D009386, MONDO:0015356.

Submission:

Ambry Genetics
Classification: Uncertain significance for Hereditary cancer-predisposing syndrome. Last evaluated: 2025-09-02. Review status: criteria provided, single submitter. Criteria: Ambry Variant Classification Scheme 2023. Collection method: clinical testing. Allele origin: germline.
Comment: The c.160_162dupATG variant (also known as p.M54dup), located in coding exon 2 of the CDKN2A gene, results from an in-frame duplication of ATG at nucleotide positions 160 to 162. Of note, this variant is also known as c.203_205dupATG (p.D68dup) in the p14(ARF) isoform. This results in the duplication of an extra residue between codons 54 and 55. This amino acid position is well conserved in available vertebrate species. In addition, this variant is predicted to be deleterious by in silico analysis (Choi Y et al. PLoS ONE. 2012; 7(10):e46688). Based on the available evidence, the clinical significance of this variant remains unclear.